The following is an entry in ClinVar:

NM_182961.4(SYNE1):c.24621T>C (p.His8207=)

Gene: SYNE1 (spectrin repeat containing nuclear envelope protein 1; minus strand). Cytogenetic location: 6q25.2.
Variant type: single nucleotide variant.
Coding change: c.24621T>C on transcript NM_182961.4 (MANE Select); coding-DNA position 24621, T replaced by C.
Protein change: p.His8207=; no amino-acid change (histidine 8207 retained).
Molecular consequence: synonymous variant.
Genome position (GRCh38, 1-based): chr6:152,149,498, A>G on the plus strand (T>C on the coding strand, the complement: SYNE1 is on the minus strand). VCF-style: chr6-152149498-A-G. GRCh37 (hg19) VCF-style: chr6-152470633-A-G.
Other names: c.1227T>C, p.His409= (NM_001347701.2); c.1086T>C, p.His362= (NM_001347702.2); c.24408T>C, p.His8136= (NM_033071.5).
Identifiers: ClinVar variation 4682217 (VCV004682217.2).
Genomic context (GRCh38, chr6:152,149,498, plus strand): 5'-TTAGATTTAATGACAACTAAGAAAATCAATGTTACATACAGGCAGGCGGATCAGTTTCTT[A>G]TGGTATCTTTCCACACGCCCGAAGACCTCCTGGCAGTACCGTCGGAGCTCATCTAGTTCC-3'
Protein context (NP_892006.3, residues 8197-8217): QEVFGRVERY[His8207=]KKLIRLPLPD

ClinVar aggregate classification (germline): Conflicting classifications of pathogenicity. Review status: criteria provided, conflicting classifications (1 of 4 stars). 2 submissions from 2 submitters: Uncertain significance (1); Likely benign (1). Last evaluated 2025-08-18.

Conditions:
Emery-Dreifuss muscular dystrophy 4, autosomal dominant (EDMD4). Also called: EMERY-DREIFUSS MUSCULAR DYSTROPHY 4 WITH VARIABLE FEATURES. Identifiers: Orphanet 261, MedGen C2751807, MONDO:0013071, OMIM 612998.
Autosomal recessive ataxia, Beauce type. Also called: Spinocerebellar ataxia, autosomal recessive 8; ATAXIA, RECESSIVE, OF BEAUCE; SYNE1-Related Autosomal Recessive Cerebellar Ataxia; SYNE1 Deficiency. Identifiers: Orphanet 88644, MedGen C1853116, MONDO:0012549, OMIM 610743.

gnomAD v4.1: 11 of 1,614,026 alleles (0.00068%); highest among the groups gnomAD compares: South Asian, 0.0022%; no homozygotes.

Submissions (2):

Labcorp Genetics (formerly Invitae), Labcorp
Classification: Likely benign for Emery-Dreifuss muscular dystrophy 4, autosomal dominant; Autosomal recessive ataxia, Beauce type. Last evaluated: 2025-08-18. Review status: criteria provided, single submitter. Criteria: Invitae Variant Classification Sherloc (09022015). Collection method: clinical testing. Allele origin: germline.

Athena Diagnostics
Classification: Uncertain significance. Last evaluated: 2025-03-17. Review status: criteria provided, single submitter. Criteria: Athena Diagnostics Criteria. Collection method: clinical testing. Allele origin: unknown.
Comment: Available data are insufficient to determine the clinical significance of the variant at this time. The frequency of this variant in the general population is uninformative in assessment of its pathogenicity. Computational tools yielded inconclusive predictions regarding the effect of this variant on RNA splicing.